The following is an entry in ClinVar:

ClinVar aggregate classification (germline): Likely benign. Review status: criteria provided, single submitter (1 of 4 stars). 2 submissions from 2 submitters: Likely benign (1). 1 of the submissions does not count toward it. Last evaluated 2024-02-16.

Conditions:
DYSF-related disorder. Also called: DYSF-related condition; DYSF-related disorders.
Neuromuscular disease caused by qualitative or quantitative defects of dysferlin. Also called: Qualitative or quantitative defects of dysferlin; Dysferlinopathy. Identifiers: Orphanet 207073, MedGen C2931687, MONDO:0016145.

Allele frequency attached by ClinVar (database versions not stated): TOPMed 0.00002.
gnomAD v4.1: 11 of 1,613,160 alleles (0.00068%); highest among the groups gnomAD compares: Middle Eastern, 0.016%; no homozygotes.

Submissions (2):

Labcorp Genetics (formerly Invitae), Labcorp
Classification: Likely benign for Neuromuscular disease caused by qualitative or quantitative defects of dysferlin. Last evaluated: 2024-02-16. Review status: criteria provided, single submitter. Criteria: Invitae Variant Classification Sherloc (09022015). Collection method: clinical testing. Allele origin: germline.

PreventionGenetics, part of Exact Sciences
Classification: Likely benign for DYSF-related condition. Last evaluated: 2019-07-03. Review status: no assertion criteria provided. Collection method: clinical testing. Allele origin: germline. Not counted in ClinVar's aggregate classification.
Comment: This variant is classified as likely benign based on ACMG/AMP sequence variant interpretation guidelines (Richards et al. 2015 PMID: 25741868, with internal and published modifications).

NM_001130987.2(DYSF):c.3855G>A (p.Ser1285=)

Gene: DYSF (dysferlin; plus strand). Cytogenetic location: 2p13.2.
Variant type: single nucleotide variant.
Coding change: c.3855G>A on transcript NM_001130987.2 (MANE Select); coding-DNA position 3855, G replaced by A.
Protein change: p.Ser1285=; no amino-acid change (serine 1285 retained).
Molecular consequence: synonymous variant.
Genome position (GRCh38, 1-based): chr2:71,600,800, G>A. VCF-style: chr2-71600800-G-A. GRCh37 (hg19) VCF-style: chr2-71827930-G-A.
Other names: c.3804G>A, p.Ser1268= (NM_001130455.2, NM_001130983.2); c.3759G>A, p.Ser1253= (NM_001130976.2, NM_001130977.2); c.3801G>A, p.Ser1267= (NM_001130978.2, NM_003494.4); c.3894G>A, p.Ser1298= (NM_001130979.2); c.3852G>A, p.Ser1284= (NM_001130980.2, NM_001130981.2); c.3897G>A, p.Ser1299= (NM_001130982.2); c.3762G>A, p.Ser1254= (NM_001130984.2, NM_001130986.2); c.3855G>A, p.Ser1285= (NM_001130985.2).
Identifiers: ClinVar variation 707085 (VCV000707085.10), dbSNP rs765136335, ClinGen allele CA1706731.